The following is an entry in ClinVar:

ClinVar aggregate classification (germline): Likely pathogenic. Review status: reviewed by expert panel (3 of 4 stars). 2 submissions from 2 submitters: Likely pathogenic (1). 1 of the submissions does not count toward it. Last evaluated 2025-01-30.

Conditions:
GUCY2D-related recessive retinopathy. Also called: Recessive GUCY2D retinopathy. Identifiers: MedGen CN305603, MONDO:0100453.
Leber congenital amaurosis 1 (LCA1). Also called: Congenital absence of the rods and cones; Leber's congenital tapetoretinal degeneration; Leber's congenital tapetoretinal dysplasia; AMAUROSIS CONGENITA OF LEBER I; RETINAL BLINDNESS, CONGENITAL. Identifiers: Orphanet 65, MedGen C2931258, MONDO:0008764, OMIM 204000.

Allele frequency attached by ClinVar (database versions not stated): gnomAD exomes below 0.00001.
gnomAD v4.1: 2 of 1,611,736 alleles (0.00012%); highest among the groups gnomAD compares: South Asian, 0.0022%; no homozygotes.

Submissions (2):

ClinGen Leber Congenital Amaurosis/early Onset Retinal Dystrophy Variant Curation Expert Panel, ClinGen
Classification: Likely pathogenic for GUCY2D-related recessive retinopathy. Last evaluated: 2025-01-30. Review status: reviewed by expert panel. Criteria: ClinGen LCAeoRD ACMG Specifications GUCY2D V1.0.0. Collection method: curation. Allele origin: germline. Inheritance: Autosomal recessive inheritance.
Comment: NM_000180.4(GUCY2D):c.3056A>C (p.His1019Pro) is a missense variant that replaces histidine with proline at position p.1019. This variant is present in gnomAD v4.1.0 at a total allele frequency of 0.000001241, with 2 alleles / 1,611,736 total alleles, which is lower than the ClinGen LCA/eoRD VCEP PM2_Supporting threshold of <0.0004 (PM2_Supporting). This variant has been reported in at least 2 apparently unrelated probands with early-onset severe retinal dystrophy who were homozygous for the variant (1 total point, PMID: 10951519, PMID: 32783370, PM3). At least one proband harboring this variant exhibits a phenotype including clinical diagnosis of Leber congenital amaurosis (0.5 pts) with onset at birth (1 pt), inability to follow light or objects, nystagmus (1 pt), normal fundus at birth, RPE mottling (0.5 pts), non-recordable electroretinogram responses from both rods (0.5 pts) and cones (1 pt), severe hyperopia and severe photophobia (1 pt), non-recordable visual field (1 pt) and congenital blindness (1 pt), which together are specific for GUCY2D-related recessive retinopathy (total 7.5 points, PMID: 10951519, PP4). The computational predictor REVEL gives a score of 0.932 which is above the ClinGen LCA/eoRD VCEP threshold of ≥0.773 and predicts a damaging effect on RetGC-1 protein function (PP3_Moderate). The splicing impact predictor SpliceAI gives a score of 0.00, which is below the ClinGen LCA/eoRD VCEP recommended threshold of ≥0.2 and does not strongly predict an impact on splicing. The mutant protein showed significantly compromised binding to RD3 relative to the wild-type control when exogenously expressed in HEK293 cells and analyzed by co-immunoprecipitation and western blotting (PMID: 25477517). The variant also exhibited 0% enzymatic activity in a guanylate cyclase activity assay relative to the wild-type control, which is lower than the ClinGen LCA/eoRD VCEP PS3_Supporting threshold of <10% activity, indicating that it triggers a severe defect in protein function (PMID: 11328726, PS3_Supporting). In summary, this variant meets the criteria to be classified as likely pathogenic for GUCY2D-related recessive retinopathy based on the ACMG/AMP criteria applied, as specified by the ClinGen LCA/eoRD VCEP: PS3_Supporting, PM2_Supporting, PM3, PP3_Moderate, and PP4. (VCEP specifications version 1.0.0; date of approval 01/22/2025).

Laboratory of Genetics in Ophthalmology, Institut Imagine
Classification: Likely pathogenic for Leber congenital amaurosis 1. Review status: no assertion criteria provided. Collection method: research. Allele origin: inherited. Affected: yes. Observed: 1 variant allele. Not counted in ClinVar's aggregate classification.

Literature cited by the submitters: PubMed 25477517 (cited by ClinGen Leber Congenital Amaurosis/early Onset Retinal Dystrophy Variant Curation Expert Panel, ClinGen); PubMed 10951519 (cited by Laboratory of Genetics in Ophthalmology, Institut Imagine).

NM_000180.4(GUCY2D):c.3056A>C (p.His1019Pro)

Gene: GUCY2D (guanylate cyclase 2D, retinal; plus strand). Cytogenetic location: 17p13.1.
Variant type: single nucleotide variant.
Coding change: c.3056A>C on transcript NM_000180.4 (MANE Select); coding-DNA position 3056, A replaced by C.
Protein change: p.His1019Pro; replaces histidine 1019 with proline.
Molecular consequence: missense variant.
Genome position (GRCh38, 1-based): chr17:8,015,939, A>C. VCF-style: chr17-8015939-A-C. GRCh37 (hg19) VCF-style: chr17-7919257-A-C.
Other names: NM_000180.4(GUCY2D):c.3056A>C; p.His1019Pro; short protein forms H1019P.
Identifiers: ClinVar variation 974655 (VCV000974655.1), dbSNP rs1429807175, ClinGen allele CA397955568.
Genomic context (GRCh38, chr17:8,015,939, plus strand): 5'-GGACACGGGAGGTGAGTCCCGAGCTCACGGCGTCCCCCACCGCCACAGCTTACCGCATCC[A>C]CGTGAACTTGAGCACTGTGGGGATTCTCCGTGCTCTGGACTCGGGCTACCAGGTGGAGCT-3'
Protein context (NP_000171.1, residues 1009-1029): MESTGLPYRI[His1019Pro]VNLSTVGILR